The following is an entry in ClinVar:

ClinVar aggregate classification (germline): Pathogenic/Likely pathogenic. Review status: criteria provided, multiple submitters, no conflicts (2 of 4 stars). 9 submissions from 9 submitters: Pathogenic (6); Likely pathogenic (2). 1 of the submissions does not count toward it. Last evaluated 2026-05-14.

Conditions:
BCL11B-related disorder. Also called: BCL11B-Related Disorders.
Intellectual developmental disorder with speech delay, dysmorphic facies, and t-cell abnormalities. Also called: BCL11B-related BAFopathy. Identifiers: Orphanet 662829, MedGen C4748152, MONDO:0060763, OMIM 618092.
Inborn genetic diseases. Identifiers: MedGen C0950123, MeSH D030342.

Submissions (9):

Undiagnosed Diseases Network, NIH
Classification: Pathogenic for Intellectual developmental disorder with speech delay, dysmorphic facies, and t-cell abnormalities. Last evaluated: 2026-05-14. Review status: criteria provided, single submitter. Criteria: ACMG Guidelines, 2015. Collection method: clinical testing. Allele origin: de novo. Inheritance: Autosomal dominant inheritance. Affected: yes. Observed: 1 variant allele, 1 heterozygote. Study: Undiagnosed Diseases Network, UDN.
Comment: This variant has been previously reported in a de novo state in individuals with global developmental delay, distinct facial features and dental anomalies. This variant has not been observed in the gnomAD v4 (non-UKB) dataset. This premature termination variant in exon 4 of 4 is predicted to escape nonsense-mediated decay (NMD) but impact a significant portion of the protein length or a critical region of the protein, potentially disrupting normal protein function.

3billion
Classification: Pathogenic for BCL11B-related disorder. Last evaluated: 2026-01-08. Review status: criteria provided, single submitter. Criteria: ACMG Guidelines, 2015. Collection method: clinical testing. Allele origin: germline. Affected: yes.
Comment: The variant is not observed in the gnomAD v4.1.0 dataset. Predicted Consequence/Location: Frameshift: predicted to result in a loss or disruption of normal protein function through protein truncation. The predicted truncated protein may be shortened by more than 10%. The variant has been previously reported as de novo in a similarly affected individual (PMID: 32659295). The variant has been reported at least twice as pathogenic with clinical assertions and evidence for the classification (ClinVar ID: VCV000870217 /PMID: 32659295). Therefore, this variant is classified as Pathogenic according to the recommendation of ACMG/AMP guideline.

Division of Genetic & Genomic Pathology, Hong Kong Children's Hospital
Classification: Likely pathogenic for Intellectual developmental disorder with speech delay, dysmorphic facies, and t-cell abnormalities. Last evaluated: 2025-01-16. Review status: criteria provided, single submitter. Criteria: ACMG Guidelines, 2015. Collection method: clinical testing. Allele origin: germline. Affected: yes.
Comment: BCL11B c.1944_1965del is a 22-bp deletion located in the last exon (i.e. exon 4) of the BCL11B gene. This variant is not anticipated to result in nonsense mediated decay. It is expected to disrupt the last 246 amino acids of the BCL11B protein and replace them with 66 incorrect amino acids. The variant is absent from population controls (gnomAD v.4.1.0) and has been deposited in ClinVar by five submitters as pathogenic/likely pathogenic at the time of reporting (Accession: VCV000870217.33). This variant has been reported in patients with BCL11B-related disorders (PMID: 32659295, 37860968). For these reasons, BCL11B c.1944_1965del is classified as likely pathogenic.

CeGaT Center for Human Genetics Tuebingen
Classification: Likely pathogenic. Last evaluated: 2024-06-01. Review status: criteria provided, single submitter. Criteria: CeGaT Center For Human Genetics Tuebingen Variant Classification Criteria Version 2. Collection method: clinical testing. Allele origin: germline. Affected: yes. Observed: 2 variant alleles.
Comment: BCL11B: PVS1:Strong, PM2, PS2:Moderate

Labcorp Genetics (formerly Invitae), Labcorp
Classification: Pathogenic. Last evaluated: 2024-04-27. Review status: criteria provided, single submitter. Criteria: Invitae Variant Classification Sherloc (09022015). Collection method: clinical testing. Allele origin: germline.
Comment: This sequence change creates a premature translational stop signal (p.Gly649Alafs*67) in the BCL11B gene. While this is not anticipated to result in nonsense mediated decay, it is expected to disrupt the last 246 amino acid(s) of the BCL11B protein. The frequency data for this variant in the population databases is considered unreliable, as metrics indicate insufficient coverage at this position in the gnomAD database. This premature translational stop signal has been observed in individual(s) with BCL11B deficiency (PMID: 29985992, 32659295). In at least one individual the variant was observed to be de novo. ClinVar contains an entry for this variant (Variation ID: 870217). For these reasons, this variant has been classified as Pathogenic.

Intergen Genetics and Rare Diseases Diagnosis Center
Classification: Pathogenic for Intellectual developmental disorder with speech delay, dysmorphic facies, and t-cell abnormalities. Last evaluated: 2023-08-31. Review status: criteria provided, single submitter. Criteria: ACMG Guidelines, 2015. Collection method: clinical testing. Allele origin: unknown. Inheritance: Autosomal dominant inheritance. Affected: yes. Observed: 1 heterozygote.

GeneDx
Classification: Pathogenic. Last evaluated: 2022-07-25. Review status: criteria provided, single submitter. Criteria: GeneDx Variant Classification Process June 2021. Collection method: clinical testing. Allele origin: germline. Affected: yes.
Comment: Frameshift variant in the C-terminus predicted to result in protein truncation, as the last 246 amino acids are lost and replaced with 66 incorrect amino acids; Not observed at significant frequency in large population cohorts (gnomAD); This variant is associated with the following publications: (PMID: 29985992, 32659295)

Ambry Genetics
Classification: Pathogenic for Inborn genetic diseases. Last evaluated: 2018-07-18. Review status: criteria provided, single submitter. Criteria: Ambry exome assertion method (8-5-2015). Collection method: clinical testing. Allele origin: germline. Affected: yes. Observed: 1 variant allele.

Department of Rehabilitation, Anhui Provincial Children's Hospital
Classification: Pathogenic for Intellectual developmental disorder with speech delay, dysmorphic facies, and t-cell abnormalities. Last evaluated: 2024-03-18. Review status: no assertion criteria provided. Collection method: clinical testing. Allele origin: de novo. Affected: yes. Not counted in ClinVar's aggregate classification.
Comment: This variant introduces a stop codon in the terminal exon of the gene. Public database queries confirm that mutations in the BCL11B gene (OMIM:606558) cause "Immunodeficiency 49, severe combined" (OMIM:617237) and "Intellectual developmental disorder with dysmorphic facies, speech delay, and T-cell abnormalities" (OMIM:618092).

Literature cited by the submitters: PubMed 29985992 (cited by 3 submitters); PubMed 32659295 (cited by 4 submitters); PubMed 37860968 (cited by Division of Genetic & Genomic Pathology, Hong Kong Children's Hospital).

NM_138576.4(BCL11B):c.1944_1965del (p.Gly649fs)

Gene: BCL11B (BCL11 transcription factor B; minus strand). Cytogenetic location: 14q32.2.
Variant type: Deletion.
Coding change: c.1944_1965del on transcript NM_138576.4 (MANE Select); coding-DNA positions 1944 to 1965, 22 bases deleted (CGGCGCGGTCAACGGGCGCGGG).
Protein change: p.Gly649fs; shifts the reading frame from glycine 649.
Molecular consequence: frameshift variant.
Genome position (GRCh38, 1-based): chr14:99,174,871-99,174,892, CCCGCGCCCGTTGACCGCGCCG deleted on the plus strand (CGGCGCGGTCAACGGGCGCGGG on the coding strand, the reverse complement: BCL11B is on the minus strand); deleting any 22 consecutive bases within chr14:99,174,871-99,174,902 gives the same sequence; the c. name uses the placement nearest the transcript's 3' end. VCF-style (leftmost placement, unchanged base first): chr14-99174870-CCCCGCGCCCGTTGACCGCGCCG-C. GRCh37 (hg19) VCF-style: chr14-99641207-CCCCGCGCCCGTTGACCGCGCCG-C.
Other names: p.G649Afs*67; c.1941_1962del, p.Gly648fs (NM_001282237.2); c.1728_1749del, p.Gly577fs (NM_001282238.2); c.1731_1752del, p.Gly578fs (NM_022898.3); c.1944_1965del22 (NM_138576.3); short protein forms G577fs, G578fs, G649fs, G648fs.
Identifiers: ClinVar variation 870217 (VCV000870217.54), dbSNP rs1886427331, ClinGen allele CA916083396.